The following is an entry in ClinVar:

ClinVar aggregate classification (germline): Uncertain significance (1 of 4 stars; one submission).

Conditions:
Nephronophthisis 18 (NPHP18). Identifiers: Orphanet 655, MedGen C3890591, MONDO:0014374, OMIM 615862.

gnomAD v4.1: 5 of 1,611,142 alleles (0.00031%); highest among the groups gnomAD compares: Non-Finnish European, 0.00025%; no homozygotes.

Submission:

Labcorp Genetics (formerly Invitae), Labcorp
Classification: Uncertain significance for Nephronophthisis 18. Last evaluated: 2025-10-14. Review status: criteria provided, single submitter. Criteria: Invitae Variant Classification Sherloc (09022015). Collection method: clinical testing. Allele origin: germline.
Comment: This sequence change replaces methionine, which is neutral and non-polar, with valine, which is neutral and non-polar, at codon 654 of the CEP83 protein (p.Met654Val). This variant is present in population databases (no rsID available, gnomAD 0.002%). This variant has not been reported in the literature in individuals affected with CEP83-related conditions. Invitae Evidence Modeling of protein sequence and biophysical properties (such as structural, functional, and spatial information, amino acid conservation, physicochemical variation, residue mobility, and thermodynamic stability) indicates that this missense variant is not expected to disrupt CEP83 protein function with a negative predictive value of 80%. In summary, the available evidence is currently insufficient to determine the role of this variant in disease. Therefore, it has been classified as a Variant of Uncertain Significance.

NM_016122.3(CEP83):c.1960A>G (p.Met654Val)

Gene: CEP83 (centrosomal protein 83; minus strand). Cytogenetic location: 12q22.
Variant type: single nucleotide variant.
Coding change: c.1960A>G on transcript NM_016122.3 (MANE Select); coding-DNA position 1960, A replaced by G.
Protein change: p.Met654Val; replaces methionine 654 with valine.
Molecular consequence: missense variant. On other transcripts: non-coding transcript variant (2).
Genome position (GRCh38, 1-based): chr12:94,309,959, T>C on the plus strand (A>G on the coding strand, the complement: CEP83 is on the minus strand). VCF-style: chr12-94309959-T-C. GRCh37 (hg19) VCF-style: chr12-94703735-T-C.
Other names: c.1960A>G, p.Met654Val (NM_001042399.2, NM_001346457.2, NM_001368037.1 and 1 more transcripts); c.1648A>G, p.Met550Val (NM_001346458.2, NM_001346459.2, NM_001368039.1 and 1 more transcripts); c.1735A>G, p.Met579Val (NM_001368041.1); short protein forms M550V, M579V, M654V.
Identifiers: ClinVar variation 4763364 (VCV004763364.1).